The following is an entry in ClinVar:

NM_003172.4(SURF1):c.224G>A (p.Gly75Asp)

Gene: SURF1 (SURF1 cytochrome c oxidase assembly factor; minus strand). Cytogenetic location: 9q34.2.
Variant type: single nucleotide variant.
Coding change: c.224G>A on transcript NM_003172.4 (MANE Select); coding-DNA position 224, G replaced by A.
Protein change: p.Gly75Asp; replaces glycine 75 with aspartic acid.
Molecular consequence: missense variant. On other transcripts: 5 prime UTR variant (1).
Genome position (GRCh38, 1-based): chr9:133,354,840, C>T on the plus strand (G>A on the coding strand, the complement: SURF1 is on the minus strand). VCF-style: chr9-133354840-C-T. GRCh37 (hg19) VCF-style: chr9-136221695-C-T.
Other names: c.-104G>A (NM_001280787.1); short protein forms G75D.
Identifiers: ClinVar variation 3895859 (VCV003895859.1).

ClinVar aggregate classification (germline): Uncertain significance (1 of 4 stars; one submission).

Submission:

Women's Health and Genetics/Laboratory Corporation of America, LabCorp
Classification: Uncertain significance. Last evaluated: 2025-03-03. Review status: criteria provided, single submitter. Criteria: LabCorp Variant Classification Summary - May 2015. Collection method: clinical testing. Allele origin: germline.
Comment: Variant summary: SURF1 c.224G>A (p.Gly75Asp) results in a non-conservative amino acid change in the encoded protein sequence. Five of five in-silico tools predict a damaging effect of the variant on protein function. The variant was absent in 251334 control chromosomes. The available data on variant occurrences in the general population are insufficient to allow any conclusion about variant significance. To our knowledge, no occurrence of c.224G>A in individuals affected with Charcot-Marie-Tooth disease type 4K and no experimental evidence demonstrating its impact on protein function have been reported. No submitters have cited clinical-significance assessments for this variant to ClinVar. Based on the evidence outlined above, the variant was classified as uncertain significance.